The following is an entry in ClinVar:

NM_001242896.3(DEPDC5):c.2590A>T (p.Thr864Ser)

Gene: DEPDC5 (DEP domain containing 5, GATOR1 subcomplex subunit; plus strand). Cytogenetic location: 22q12.3.
Variant type: single nucleotide variant.
Coding change: c.2590A>T on transcript NM_001242896.3 (MANE Select); coding-DNA position 2590, A replaced by T.
Protein change: p.Thr864Ser; replaces threonine 864 with serine.
Molecular consequence: missense variant. On other transcripts: non-coding transcript variant (5).
Genome position (GRCh38, 1-based): chr22:31,843,169, A>T. VCF-style: chr22-31843169-A-T. GRCh37 (hg19) VCF-style: chr22-32239155-A-T.
Other names: c.2563A>T, p.Thr855Ser (NM_001136029.4, NM_001369903.1, NM_014662.6); c.2356A>T, p.Thr786Ser (NM_001242897.2, NM_001363854.2, NM_001364319.2); c.2590A>T, p.Thr864Ser (NM_001363852.2, NM_001364318.2, NM_001364320.2); c.2506A>T, p.Thr836Ser (NM_001369901.1, NM_001369902.1); short protein forms T786S, T855S, T836S, T864S.
Identifiers: ClinVar variation 1465981 (VCV001465981.8), dbSNP rs752198928, ClinGen allele CA10196756.
Genomic context (GRCh38, chr22:31,843,169, plus strand): 5'-AACCGCCCTGAGGAGGAGGACCAGTATTGGCTGAGTATGGGCAGAACGTTCCACAAAGTG[A>T]CGCTGAAGGATAAGATGATCACAGTGACGCGATACCTTCCCAAGTGAGTATTTGGATATT-3'
Protein context (NP_001229825.1, residues 854-874): LSMGRTFHKV[Thr864Ser]LKDKMITVTR

ClinVar aggregate classification (germline): Uncertain significance (1 of 4 stars; one submission).

Conditions:
Familial focal epilepsy with variable foci (FPEVF). Identifiers: Orphanet 98820, MedGen C1858477, MONDO:0020310.

Allele frequency attached by ClinVar (database versions not stated): ExAC 0.00001; gnomAD exomes 0.00001.
gnomAD v4.1: 34 of 1,614,218 alleles (0.0021%); highest among the groups gnomAD compares: Non-Finnish European, 0.0029%; no homozygotes.

Submission:

Labcorp Genetics (formerly Invitae), Labcorp
Classification: Uncertain significance for Familial focal epilepsy with variable foci. Last evaluated: 2025-06-10. Review status: criteria provided, single submitter. Criteria: Invitae Variant Classification Sherloc (09022015). Collection method: clinical testing. Allele origin: germline.
Comment: This sequence change replaces threonine, which is neutral and polar, with serine, which is neutral and polar, at codon 864 of the DEPDC5 protein (p.Thr864Ser). This variant is present in population databases (rs752198928, gnomAD 0.002%). This variant has not been reported in the literature in individuals affected with DEPDC5-related conditions. ClinVar contains an entry for this variant (Variation ID: 1465981). Experimental studies and prediction algorithms are not available or were not evaluated, and the functional significance of this variant is currently unknown. In summary, the available evidence is currently insufficient to determine the role of this variant in disease. Therefore, it has been classified as a Variant of Uncertain Significance.